The following is an entry in ClinVar:

NM_001379500.1(COL18A1):c.1460G>A (p.Arg487Gln)

Gene: COL18A1 (collagen type XVIII alpha 1 chain; plus strand). Cytogenetic location: 21q22.3.
Variant type: single nucleotide variant.
Coding change: c.1460G>A on transcript NM_001379500.1 (MANE Select); coding-DNA position 1460, G replaced by A.
Protein change: p.Arg487Gln; replaces arginine 487 with glutamine.
Molecular consequence: missense variant.
Genome position (GRCh38, 1-based): chr21:45,480,707, G>A. VCF-style: chr21-45480707-G-A. GRCh37 (hg19) VCF-style: chr21-46900621-G-A.
Other names: NM_130445.2:c.1460G>A; c.2000G>A, p.Arg667Gln (NM_030582.4); c.2705G>A, p.Arg902Gln (NM_130444.3); short protein forms R667Q, R902Q, R487Q.
Identifiers: ClinVar variation 1450783 (VCV001450783.5), dbSNP rs371292624, ClinGen allele CA10066355.

ClinVar aggregate classification (germline): Uncertain significance. Review status: criteria provided, multiple submitters, no conflicts (2 of 4 stars). 2 submissions from 2 submitters: Uncertain significance (2). Last evaluated 2025-08-11.

Conditions:
Inborn genetic diseases. Identifiers: MedGen C0950123, MeSH D030342.

Allele frequency attached by ClinVar (database versions not stated): ExAC 0.00002; gnomAD exomes 0.00002 and 0.00007; TOPMed 0.00002; ESP Exome Variant Server 0.00008.
gnomAD v4.1: 105 of 1,610,766 alleles (0.0065%); highest among the groups gnomAD compares: Non-Finnish European, 0.0085%; no homozygotes.

Submissions (2):

Ambry Genetics
Classification: Uncertain significance for Inborn genetic diseases. Last evaluated: 2025-08-11. Review status: criteria provided, single submitter. Criteria: Ambry Variant Classification Scheme 2023. Collection method: clinical testing. Allele origin: germline.

Labcorp Genetics (formerly Invitae), Labcorp
Classification: Uncertain significance. Last evaluated: 2022-10-07. Review status: criteria provided, single submitter. Criteria: Invitae Variant Classification Sherloc (09022015). Collection method: clinical testing. Allele origin: germline.
Comment: This sequence change replaces arginine, which is basic and polar, with glutamine, which is neutral and polar, at codon 487 of the COL18A1 protein (p.Arg487Gln). This variant is present in population databases (rs371292624, gnomAD 0.003%). This variant has not been reported in the literature in individuals affected with COL18A1-related conditions. ClinVar contains an entry for this variant (Variation ID: 1450783). Experimental studies and prediction algorithms are not available or were not evaluated, and the functional significance of this variant is currently unknown. In summary, the available evidence is currently insufficient to determine the role of this variant in disease. Therefore, it has been classified as a Variant of Uncertain Significance.